The following is an entry in ClinVar:

ClinVar aggregate classification (germline): Uncertain significance (1 of 4 stars; one submission).

Conditions:
Agammaglobulinemia 6, autosomal recessive (AGM6). Also called: AGAMMAGLOBULINEMIA, AUTOSOMAL RECESSIVE, DUE TO CD79B DEFECT; AGAMMAGLOBULINEMIA 6. Identifiers: MedGen C3150207, MONDO:0012987, OMIM 612692.

Allele frequency attached by ClinVar (database versions not stated): TOPMed 0.00001; gnomAD 0.00003 and 0.00005; gnomAD exomes 0.00005 and 0.00009; ExAC 0.00011.

Submission:

Labcorp Genetics (formerly Invitae), Labcorp
Classification: Uncertain significance for Agammaglobulinemia 6, autosomal recessive. Last evaluated: 2022-10-24. Review status: criteria provided, single submitter. Criteria: Invitae Variant Classification Sherloc (09022015). Collection method: clinical testing. Allele origin: germline.
Comment: In summary, the available evidence is currently insufficient to determine the role of this variant in disease. Therefore, it has been classified as a Variant of Uncertain Significance. Algorithms developed to predict the effect of missense changes on protein structure and function are either unavailable or do not agree on the potential impact of this missense change (SIFT: "Not Available"; PolyPhen-2: "Probably Damaging"; Align-GVGD: "Not Available"). ClinVar contains an entry for this variant (Variation ID: 573508). This variant has not been reported in the literature in individuals affected with CD79B-related conditions. This variant is present in population databases (rs777737578, gnomAD 0.07%). This sequence change replaces arginine, which is basic and polar, with glutamine, which is neutral and polar, at codon 141 of the CD79B protein (p.Arg141Gln).

NM_000626.4(CD79B):c.422G>A (p.Arg141Gln)

Genes: CD79B (CD79b molecule; minus strand), GH-LCR (growth hormone locus control region; plus strand). Cytogenetic location: 17q23.3.
Variant type: single nucleotide variant.
Coding change: c.422G>A on transcript NM_000626.4 (MANE Select); coding-DNA position 422, G replaced by A.
Protein change: p.Arg141Gln; replaces arginine 141 with glutamine.
Molecular consequence: missense variant. On other transcripts: intron variant (2).
Genome position (GRCh38, 1-based): chr17:63,930,082, C>T on the plus strand (G>A on the coding strand, the complement: CD79B is on the minus strand). VCF-style: chr17-63930082-C-T. GRCh37 (hg19) VCF-style: chr17-62007442-C-T.
Other names: c.425G>A, p.Arg142Gln (NM_001039933.3); c.119-194G>A (NM_021602.4); c.122-194G>A (NM_001329050.2); short protein forms R142Q, R141Q.
Identifiers: ClinVar variation 573508 (VCV000573508.8), dbSNP rs777737578, ClinGen allele CA8708572.
Genomic context (GRCh38, chr17:63,930,082, plus strand): 5'-GGCTAGGGTGGGGCGGACAGCTACAGGAGCGTCCCAGCCACCTGGCACACACCCATGACT[C>T]GCAGCTCTGTGCCGCAGCCCTGGTAGACCTCCGAGGTGTTGTTGCACTTCTGCTGACAGA-3'
Protein context (NP_000617.1, residues 131-151): EVYQGCGTEL[Arg141Gln]VMGFSTLAQL